The following is an entry in ClinVar:

ClinVar aggregate classification (germline): Uncertain significance (0 of 4 stars; one submission).

Conditions:
EP300-related disorder. Also called: EP300-related condition; EP300-related disorders.

Submission:

PreventionGenetics, part of Exact Sciences
Classification: Uncertain significance for EP300-related condition. Last evaluated: 2024-03-12. Review status: no assertion criteria provided. Collection method: clinical testing. Allele origin: germline.
Comment: The EP300 c.315_320del6 variant is predicted to result in an in-frame deletion (p.Ser106_Gln107del). To our knowledge, this variant has not been reported in the literature. This variant is reported in 0.016% of alleles in individuals of South Asian descent in gnomAD. At this time, the clinical significance of this variant is uncertain due to the absence of conclusive functional and genetic evidence.

NM_001429.4(EP300):c.315_320del (p.Ser106_Gln107del)

Gene: EP300 (E1A binding protein p300; plus strand). Cytogenetic location: 22q13.2.
Variant type: Deletion.
Coding change: c.315_320del on transcript NM_001429.4 (MANE Select); coding-DNA positions 315 to 320, 6 bases deleted (CAGCCA; older notation c.315_320delCAGCCA).
Protein change: p.Ser106_Gln107del.
Molecular consequence: inframe deletion.
Genome position (GRCh38, 1-based): chr22:41,117,407-41,117,412, CAGCCA deleted. VCF-style (leftmost placement, unchanged base first): chr22-41117406-CCAGCCA-C. GRCh37 (hg19) VCF-style: chr22-41513410-CCAGCCA-C.
Other names: c.315_320del, p.Ser106_Gln107del (NM_001362843.2).
Identifiers: ClinVar variation 3350193 (VCV003350193.1).